The following is an entry in ClinVar:

ClinVar aggregate classification (germline): Pathogenic (1 of 4 stars; one submission).

Conditions:
Autosomal recessive limb-girdle muscular dystrophy type 2U. Also called: Muscular dystrophy-dystroglycanopathy (limb-girdle), type c, 7; MUSCULAR DYSTROPHY, LIMB-GIRDLE, TYPE 2U. Identifiers: Orphanet 352479, MedGen C5190987, MONDO:0014474, OMIM 616052.
Muscular dystrophy-dystroglycanopathy (congenital with brain and eye anomalies), type A, 7. Also called: WALKER-WARBURG SYNDROME OR MUSCLE-EYE-BRAIN DISEASE, ISPD-RELATED; Congenital muscular dystrophy-dystroglycanopathy with brain and eye anomalies, type A7. Identifiers: Orphanet 899, MedGen C3553330, MONDO:0013835, OMIM 614643.

Submission:

Labcorp Genetics (formerly Invitae), Labcorp
Classification: Pathogenic for Muscular dystrophy-dystroglycanopathy (congenital with brain and eye anomalies), type A, 7; Autosomal recessive limb-girdle muscular dystrophy type 2U. Last evaluated: 2023-03-09. Review status: criteria provided, single submitter. Criteria: Invitae Variant Classification Sherloc (09022015). Collection method: clinical testing. Allele origin: unknown.
Comment: For these reasons, this variant has been classified as Pathogenic. This variant has not been reported in the literature in individuals affected with ISPD-related conditions. This variant is a gross deletion of the genomic region encompassing exon(s) 6 of the ISPD gene. This deletion is out-of-frame, and is expected to create a premature termination codon and result in an absent or disrupted protein product. Loss-of-function variants in ISPD are known to be pathogenic (PMID: 23288328).

Literature cited by the submitters: PubMed 23288328.

NC_000007.13:g.(?_16317734)_(16317871_?)del

Gene: CRPPA (CDP-L-ribitol pyrophosphorylase A; minus strand). Cytogenetic location: 7p21.2.
Variant type: Deletion.
Identifiers: ClinVar variation 3245803 (VCV003245803.1).